The following is an entry in ClinVar:

NM_000368.5(TSC1):c.225del (p.Ile76fs)

Gene: TSC1 (TSC complex subunit 1; minus strand). Cytogenetic location: 9q34.13.
Variant type: Deletion.
Coding change: c.225del on transcript NM_000368.5 (MANE Select); coding-DNA position 225, one base deleted (G; older notation c.225delG).
Protein change: p.Ile76fs; shifts the reading frame from isoleucine 76.
Molecular consequence: frameshift variant. On other transcripts: 5 prime UTR variant (18), non-coding transcript variant (5), intron variant (5).
Genome position (GRCh38, 1-based): chr9:132,925,725, C deleted on the plus strand (G on the coding strand, the reverse complement: TSC1 is on the minus strand); the first of 2 consecutive C bases (chr9:132,925,725-132,925,726); deleting either gives the same sequence. VCF-style (leftmost placement, unchanged base first): chr9-132925724-TC-T. GRCh37 (hg19) VCF-style: chr9-135801111-TC-T.
Other names: c.-139del (NM_001406618.1, NM_001406619.1, NM_001406620.1 and 5 more transcripts); c.-264del (NM_001406623.1, NM_001406615.1); c.-231del (NM_001406624.1, NM_001406614.1, NM_001406616.1); c.-653del (NM_001406626.1, NM_001406627.1, NM_001406628.1); c.-795del (NM_001406629.1); c.-869del (NM_001406630.1); c.210+1476del (NM_001406613.1, NM_001406612.1, NM_001406610.1 and 2 more transcripts); c.225del, p.Ile76fs (NM_001406603.1, NM_001406604.1, NM_001406605.1 and 16 more transcripts); short protein forms I76fs.
Identifiers: ClinVar variation 2849843 (VCV002849843.3), dbSNP rs2539078435, ClinGen allele CA2739265173.
Genomic context (GRCh38, chr9:132,925,724, plus strand): 5'-CATGACCCAGTAACGAGAGGATGGATAAACGAGTGGCGGCTTTGCCCACATATTCGTTAA[TC>T]CTGTCCAAGAGGTGCTGAAAATGTAAAAGAACAAGGGCAGTCCTCACATGAATGTATGAA-3'

ClinVar aggregate classification (germline): Pathogenic (1 of 4 stars; one submission).

Conditions:
Tuberous sclerosis 1 (TSC1). Identifiers: Orphanet 805, MedGen C1854465, MONDO:0008612, OMIM 191100.

Submission:

Labcorp Genetics (formerly Invitae), Labcorp
Classification: Pathogenic for Tuberous sclerosis 1. Last evaluated: 2023-03-26. Review status: criteria provided, single submitter. Criteria: Invitae Variant Classification Sherloc (09022015). Collection method: clinical testing. Allele origin: germline.
Comment: For these reasons, this variant has been classified as Pathogenic. This variant has not been reported in the literature in individuals affected with TSC1-related conditions. This variant is not present in population databases (gnomAD no frequency). This sequence change creates a premature translational stop signal (p.Ile76Leufs*22) in the TSC1 gene. It is expected to result in an absent or disrupted protein product. Loss-of-function variants in TSC1 are known to be pathogenic (PMID: 10227394, 17304050).

Literature cited by the submitters: PubMed 10227394; PubMed 17304050.